The following is an entry in ClinVar:

NM_001142644.2(SPHKAP):c.4320T>G (p.Ala1440=)

Gene: SPHKAP (SPHK1 interactor, AKAP domain containing; minus strand). Cytogenetic location: 2q36.3.
Variant type: single nucleotide variant.
Coding change: c.4320T>G on transcript NM_001142644.2 (MANE Select); coding-DNA position 4320, T replaced by G.
Protein change: p.Ala1440=; no amino-acid change (alanine 1440 retained).
Molecular consequence: synonymous variant.
Genome position (GRCh38, 1-based): chr2:228,016,534, A>C on the plus strand (T>G on the coding strand, the complement: SPHKAP is on the minus strand). VCF-style: chr2-228016534-A-C. GRCh37 (hg19) VCF-style: chr2-228881250-A-C.
Other names: c.4320T>G, p.Ala1440= (NM_030623.4).
Identifiers: ClinVar variation 2651968 (VCV002651968.24), dbSNP rs370848705, ClinGen allele CA2150302.

ClinVar aggregate classification (germline): Likely benign (1 of 4 stars; one submission).

Allele frequency attached by ClinVar (database versions not stated): ExAC 0.00002; gnomAD exomes 0.00004; ESP Exome Variant Server 0.00008; TOPMed 0.00009; gnomAD 0.00010.
gnomAD v4.1: 77 of 1,614,030 alleles (0.0048%); highest among the groups gnomAD compares: Non-Finnish European, 0.0063%; no homozygotes.

Submission:

CeGaT Center for Human Genetics Tuebingen
Classification: Likely benign. Last evaluated: 2022-08-01. Review status: criteria provided, single submitter. Criteria: CeGaT Center For Human Genetics Tuebingen Variant Classification Criteria Version 2. Collection method: clinical testing. Allele origin: germline. Affected: yes. Observed: 1 variant allele.
Comment: SPHKAP: BP4, BP7